The following is an entry in ClinVar:

NM_000057.4(BLM):c.227C>T (p.Pro76Leu)

Gene: BLM (BLM RecQ like helicase; plus strand). Cytogenetic location: 15q26.1.
Variant type: single nucleotide variant.
Coding change: c.227C>T on transcript NM_000057.4 (MANE Select); coding-DNA position 227, C replaced by T.
Protein change: p.Pro76Leu; replaces proline 76 with leucine.
Molecular consequence: missense variant. On other transcripts: 5 prime UTR variant (1).
Genome position (GRCh38, 1-based): chr15:90,749,495, C>T. VCF-style: chr15-90749495-C-T. GRCh37 (hg19) VCF-style: chr15-91292725-C-T.
Other names: c.227C>T, p.Pro76Leu (NM_001287246.2, NM_001287247.2); c.-1065C>T (NM_001287248.2); short protein forms P76L.
Identifiers: ClinVar variation 1145836 (VCV001145836.12), dbSNP rs774515970, ClinGen allele CA7738264.

ClinVar aggregate classification (germline): Conflicting classifications of pathogenicity. Review status: criteria provided, conflicting classifications (1 of 4 stars). 2 submissions from 2 submitters: Uncertain significance (1); Likely benign (1). Last evaluated 2025-11-16.

Conditions:
Bloom syndrome (BLM). Also called: Bloom-Torre-Machacek syndrome. Identifiers: Orphanet 125, MedGen C0005859, MONDO:0008876, OMIM 210900.
Hereditary cancer-predisposing syndrome. Also called: Hereditary neoplastic syndrome; Neoplastic Syndromes, Hereditary; Tumor predisposition; Hereditary Cancer Syndrome. Identifiers: Orphanet 140162, MedGen C0027672, MeSH D009386, MONDO:0015356.

Allele frequency attached by ClinVar (database versions not stated): gnomAD exomes below 0.00001 and 0.00001; ExAC 0.00001; gnomAD 0.00001.
gnomAD v4.1: 5 of 1,613,938 alleles (0.00031%); highest among the groups gnomAD compares: South Asian, 0.0044%; no homozygotes.

Submissions (2):

Labcorp Genetics (formerly Invitae), Labcorp
Classification: Likely benign for Bloom syndrome. Last evaluated: 2025-11-16. Review status: criteria provided, single submitter. Criteria: Invitae Variant Classification Sherloc (09022015). Collection method: clinical testing. Allele origin: germline.

Ambry Genetics
Classification: Uncertain significance for Hereditary cancer-predisposing syndrome. Last evaluated: 2024-05-04. Review status: criteria provided, single submitter. Criteria: Ambry Variant Classification Scheme 2023. Collection method: clinical testing. Allele origin: germline.
Comment: The p.P76L variant (also known as c.227C>T), located in coding exon 2 of the BLM gene, results from a C to T substitution at nucleotide position 227. The proline at codon 76 is replaced by leucine, an amino acid with similar properties. This amino acid position is conserved. In addition, this alteration is predicted to be tolerated by in silico analysis. Since supporting evidence is limited at this time, the clinical significance of this alteration remains unclear.